The following is an entry in ClinVar:

NM_001127208.3(TET2):c.1688G>A (p.Gly563Glu)

Genes: TET2 (tet methylcytosine dioxygenase 2; plus strand), TET2-AS1 (TET2 antisense RNA 1; minus strand). Cytogenetic location: 4q24.
Variant type: single nucleotide variant.
Coding change: c.1688G>A on transcript NM_001127208.3 (MANE Select); coding-DNA position 1688, G replaced by A.
Protein change: p.Gly563Glu; replaces glycine 563 with glutamic acid.
Molecular consequence: missense variant.
Genome position (GRCh38, 1-based): chr4:105,235,630, G>A. VCF-style: chr4-105235630-G-A. GRCh37 (hg19) VCF-style: chr4-106156787-G-A.
Other names: c.1688G>A, p.Gly563Glu (NM_017628.4); short protein forms G563E.
Identifiers: ClinVar variation 3967564 (VCV003967564.1).

ClinVar aggregate classification (germline): Uncertain significance (1 of 4 stars; one submission).

Submission:

Ambry Genetics
Classification: Uncertain significance. Last evaluated: 2025-04-16. Review status: criteria provided, single submitter. Criteria: Ambry Variant Classification Scheme 2023. Collection method: clinical testing. Allele origin: germline.
Comment: The p.G563E variant (also known as c.1688G>A), located in coding exon 1 of the TET2 gene, results from a G to A substitution at nucleotide position 1688. The glycine at codon 563 is replaced by glutamic acid, an amino acid with similar properties. This amino acid position is conserved. In addition, this alteration is predicted to be tolerated by in silico analysis. Based on the available evidence, the clinical significance of this variant remains unclear.